The following is an entry in ClinVar:

ClinVar aggregate classification (germline): Uncertain significance (1 of 4 stars; one submission).

Conditions:
Familial adenomatous polyposis 1 (FAP1). Also called: FAMILIAL ADENOMATOUS POLYPOSIS 1, ATTENUATED; POLYPOSIS, ADENOMATOUS INTESTINAL. Identifiers: MedGen C2713442, MONDO:0021056, OMIM 175100. Disease mechanism: loss of function.

Submission:

Labcorp Genetics (formerly Invitae), Labcorp
Classification: Uncertain significance for Familial adenomatous polyposis 1. Last evaluated: 2021-02-27. Review status: criteria provided, single submitter. Criteria: Invitae Variant Classification Sherloc (09022015). Collection method: clinical testing. Allele origin: germline.
Comment: This variant has not been reported in the literature in individuals with APC-related conditions. Algorithms developed to predict the effect of missense changes on protein structure and function (SIFT, PolyPhen-2, Align-GVGD) all suggest that this variant is likely to be tolerated, but these predictions have not been confirmed by published functional studies and their clinical significance is uncertain. In summary, the available evidence is currently insufficient to determine the role of this variant in disease. Therefore, it has been classified as a Variant of Uncertain Significance. This variant is not present in population databases (ExAC no frequency). This sequence change replaces isoleucine with asparagine at codon 269 of the APC protein (p.Ile269Asn). The isoleucine residue is moderately conserved and there is a large physicochemical difference between isoleucine and asparagine.

NM_000038.6(APC):c.806T>A (p.Ile269Asn)

Gene: APC (APC regulator of Wnt signaling pathway; plus strand). Cytogenetic location: 5q22.2.
Variant type: single nucleotide variant.
Coding change: c.806T>A on transcript NM_000038.6 (MANE Select); coding-DNA position 806, T replaced by A.
Protein change: p.Ile269Asn; replaces isoleucine 269 with asparagine.
Molecular consequence: missense variant. On other transcripts: 5 prime UTR variant (1).
Genome position (GRCh38, 1-based): chr5:112,801,355, T>A. VCF-style: chr5-112801355-T-A. GRCh37 (hg19) VCF-style: chr5-112137052-T-A.
Other names: c.806T>A, p.Ile269Asn (NM_001127510.3, NM_001354895.2, NM_001354896.2 and 1 more transcripts); c.752T>A, p.Ile251Asn (NM_001127511.3); c.836T>A, p.Ile279Asn (NM_001354897.2, NM_001354902.2); c.731T>A, p.Ile244Asn (NM_001354898.2, NM_001354904.2); c.722T>A, p.Ile241Asn (NM_001354899.2); c.629T>A, p.Ile210Asn (NM_001354900.2, NM_001354901.2, NM_001354905.2); c.-230T>A (NM_001354906.2); short protein forms I251N, I269N, I279N, I241N, I244N, I210N.
Identifiers: ClinVar variation 1460924 (VCV001460924.8), dbSNP rs2149712243, ClinGen allele CA16023092.